The following is an entry in ClinVar:

ClinVar aggregate classification (germline): Uncertain significance (1 of 4 stars; one submission).

Conditions:
Epidermolysis bullosa simplex 5C, with pyloric atresia (EBS5C). Also called: PLEC1-Related Epidermolysis Bullosa with Pyloric Atresia; Epidermolysis bullosa simplex with pyloric atresia; PLEC-Related Epidermolysis Bullosa with Pyloric Atresia. Identifiers: Orphanet 158684, MedGen C2677349, MONDO:0012807, OMIM 612138.
Autosomal recessive limb-girdle muscular dystrophy type 2Q (LGMDR17). Also called: MUSCULAR DYSTROPHY, LIMB-GIRDLE, AUTOSOMAL RECESSIVE 17. Identifiers: Orphanet 254361, MedGen C3150989, MONDO:0013390, OMIM 613723.
Epidermolysis bullosa simplex with nail dystrophy (EBS5D). Identifiers: MedGen C4225309, MONDO:0014661, OMIM 616487.
Epidermolysis bullosa simplex 5B, with muscular dystrophy (EBS5B). Also called: Epidermolysis bullosa simplex with muscular dystrophy; EPIDERMOLYSIS BULLOSA SIMPLEX AND LIMB-GIRDLE MUSCULAR DYSTROPHY. Identifiers: Orphanet 257, MedGen C2931072, MONDO:0009181, OMIM 226670.
Epidermolysis bullosa simplex, Ogna type (EBS5A). Also called: EPIDERMOLYSIS BULLOSA SIMPLEX 5A, OGNA TYPE; Pidermolysis bullosa simplex 5A, Ogna type. Identifiers: Orphanet 79401, MedGen C0432317, MONDO:0007555, OMIM 131950.

Submission:

Labcorp Genetics (formerly Invitae), Labcorp
Classification: Uncertain significance for Autosomal recessive limb-girdle muscular dystrophy type 2Q; Epidermolysis bullosa simplex, Ogna type; Epidermolysis bullosa simplex with nail dystrophy; Epidermolysis bullosa simplex 5C, with pyloric atresia; Epidermolysis bullosa simplex 5B, with muscular dystrophy. Last evaluated: 2022-08-16. Review status: criteria provided, single submitter. Criteria: Invitae Variant Classification Sherloc (09022015). Collection method: clinical testing. Allele origin: germline.
Comment: In summary, the available evidence is currently insufficient to determine the role of this variant in disease. Therefore, it has been classified as a Variant of Uncertain Significance. Algorithms developed to predict the effect of missense changes on protein structure and function are either unavailable or do not agree on the potential impact of this missense change (SIFT: "Deleterious"; PolyPhen-2: "Probably Damaging"; Align-GVGD: "Class C0"). ClinVar contains an entry for this variant (Variation ID: 846590). This variant has not been reported in the literature in individuals affected with PLEC-related conditions. This variant is not present in population databases (gnomAD no frequency). This sequence change replaces leucine, which is neutral and non-polar, with methionine, which is neutral and non-polar, at codon 3415 of the PLEC protein (p.Leu3415Met).

NM_201384.3(PLEC):c.10162C>A (p.Leu3388Met)

Gene: PLEC (plectin; minus strand). Cytogenetic location: 8q24.3.
Variant type: single nucleotide variant.
Coding change: c.10162C>A on transcript NM_201384.3 (MANE Select); coding-DNA position 10162, C replaced by A.
Protein change: p.Leu3388Met; replaces leucine 3388 with methionine.
Molecular consequence: missense variant.
Genome position (GRCh38, 1-based): chr8:143,919,659, G>T on the plus strand (C>A on the coding strand, the complement: PLEC is on the minus strand). VCF-style: chr8-143919659-G-T. GRCh37 (hg19) VCF-style: chr8-144993827-G-T.
Other names: c.10243C>A, p.Leu3415Met (NM_000445.5); c.10120C>A, p.Leu3374Met (NM_201378.4); c.10096C>A, p.Leu3366Met (NM_201379.3); c.10573C>A, p.Leu3525Met (NM_201380.4); c.10066C>A, p.Leu3356Met (NM_201381.3); c.10162C>A, p.Leu3388Met (NM_201382.4); c.10174C>A, p.Leu3392Met (NM_201383.3); short protein forms L3356M, L3366M, L3374M, L3415M, L3388M, L3392M, L3525M.
Identifiers: ClinVar variation 846590 (VCV000846590.10), dbSNP rs1554678944, ClinGen allele CA372503276.